The following is an entry in ClinVar:

NM_005660.3(SLC35A2):c.10G>A (p.Val4Ile)

Gene: SLC35A2 (solute carrier family 35 member A2; minus strand). Cytogenetic location: Xp11.23.
Variant type: single nucleotide variant.
Coding change: c.10G>A on transcript NM_005660.3 (MANE Select); coding-DNA position 10, G replaced by A.
Protein change: p.Val4Ile; replaces valine 4 with isoleucine.
Molecular consequence: missense variant. On other transcripts: intron variant (1).
Genome position (GRCh38, 1-based): chrX:48,911,627, C>T on the plus strand (G>A on the coding strand, the complement: SLC35A2 is on the minus strand). VCF-style: chrX-48911627-C-T. GRCh37 (hg19) VCF-style: chrX-48768904-C-T.
Other names: c.10G>A, p.Val4Ile (NM_001282650.2, NM_001282651.2, NM_001032289.3 and 3 more transcripts); c.19+232G>A (NM_001282648.2); c.10G>A (NM_001042498.2); short protein forms V4I.
Identifiers: ClinVar variation 3690339 (VCV003690339.3).

ClinVar aggregate classification (germline): Uncertain significance. Review status: criteria provided, multiple submitters, no conflicts (2 of 4 stars). 2 submissions from 2 submitters: Uncertain significance (2). Last evaluated 2026-08-12.

Conditions:
SLC35A2-congenital disorder of glycosylation. Also called: SLC35A2-CDG; CONGENITAL DISORDER OF GLYCOSYLATION, TYPE IIm; CDG IIm; CONGENITAL DISORDER OF GLYCOSYLATION, TYPE IIm, SOMATIC MOSAIC; EPILEPTIC ENCEPHALOPATHY, EARLY INFANTILE, 22; DEVELOPMENTAL AND EPILEPTIC ENCEPHALOPATHY 22. Identifiers: Orphanet 356961, MedGen C3806688, MONDO:0010478, OMIM 300896.
Inborn genetic diseases. Identifiers: MedGen C0950123, MeSH D030342.

Submissions (2):

Ambry Genetics
Classification: Uncertain significance for Inborn genetic diseases. Last evaluated: 2026-08-12. Review status: criteria provided, single submitter. Criteria: Ambry Variant Classification Scheme 2023. Collection method: clinical testing. Allele origin: germline.

Labcorp Genetics (formerly Invitae), Labcorp
Classification: Uncertain significance for SLC35A2-congenital disorder of glycosylation. Last evaluated: 2024-04-22. Review status: criteria provided, single submitter. Criteria: Invitae Variant Classification Sherloc (09022015). Collection method: clinical testing. Allele origin: germline.
Comment: This sequence change replaces valine, which is neutral and non-polar, with isoleucine, which is neutral and non-polar, at codon 4 of the SLC35A2 protein (p.Val4Ile). This variant is not present in population databases (gnomAD no frequency). This variant has not been reported in the literature in individuals affected with SLC35A2-related conditions. Advanced modeling of protein sequence and biophysical properties (such as structural, functional, and spatial information, amino acid conservation, physicochemical variation, residue mobility, and thermodynamic stability) has been performed at Invitae for this missense variant, however the output from this modeling did not meet the statistical confidence thresholds required to predict the impact of this variant on SLC35A2 protein function. In summary, the available evidence is currently insufficient to determine the role of this variant in disease. Therefore, it has been classified as a Variant of Uncertain Significance.